The following is an entry in ClinVar:

NM_001040108.2(MLH3):c.3759del (p.Lys1253fs)

Gene: MLH3 (mutL homolog 3; minus strand). Cytogenetic location: 14q24.3.
Variant type: Deletion.
Coding change: c.3759del on transcript NM_001040108.2 (MANE Select); coding-DNA position 3759, one base deleted (A; older notation c.3759delA).
Protein change: p.Lys1253fs; shifts the reading frame from lysine 1253.
Molecular consequence: frameshift variant.
Genome position (GRCh38, 1-based): chr14:75,032,136, T deleted on the plus strand (A on the coding strand, the reverse complement: MLH3 is on the minus strand); the first of 6 consecutive T bases (chr14:75,032,136-75,032,141); deleting any one gives the same sequence. VCF-style (leftmost placement, unchanged base first): chr14-75032135-AT-A. GRCh37 (hg19) VCF-style: chr14-75498838-AT-A.
Other names: c.3687del, p.Lys1229fs (NM_014381.3); short protein forms K1229fs, K1253fs.
Identifiers: ClinVar variation 4876042 (VCV004876042.1).
Genomic context (GRCh38, chr14:75,032,135, plus strand): 5'-GTCTCCTTTGTTCCTCTGTCACTGTTATCTCTAGCGGAGGAATTAGAGTAGAAGACAGTA[AT>A]TTTTTCCGACCAGAGCCTTGTGCCTGTTGCTTCTCGTAGGAATCTATTGGCAGAAAGATG-3'

ClinVar aggregate classification (germline): Pathogenic (1 of 4 stars; one submission).

Conditions:
Colorectal cancer, hereditary nonpolyposis, type 7. Identifiers: Orphanet 144, MedGen C1858380, MONDO:0013725, OMIM 614385.

Submission:

Myriad Genetics, Inc.
Classification: Pathogenic for Colorectal cancer, hereditary nonpolyposis, type 7. Last evaluated: 2026-05-12. Review status: criteria provided, single submitter. Criteria: Myriad Autosomal Dominant, Autosomal Recessive and X-Linked Classification Criteria (2023). Collection method: clinical testing. Allele origin: unknown.
Comment: This variant is considered pathogenic. This variant creates a frameshift predicted to result in premature protein truncation.